The following is an entry in ClinVar:

NM_006031.6(PCNT):c.3220C>T (p.Arg1074Trp)

Gene: PCNT (pericentrin; plus strand). Cytogenetic location: 21q22.3.
Variant type: single nucleotide variant.
Coding change: c.3220C>T on transcript NM_006031.6 (MANE Select); coding-DNA position 3220, C replaced by T.
Protein change: p.Arg1074Trp; replaces arginine 1074 with tryptophan.
Molecular consequence: missense variant.
Genome position (GRCh38, 1-based): chr21:46,381,748, C>T. VCF-style: chr21-46381748-C-T. GRCh37 (hg19) VCF-style: chr21-47801663-C-T.
Other names: c.2866C>T, p.Arg956Trp (NM_001315529.2); short protein forms R1074W, R956W.
Identifiers: ClinVar variation 159582 (VCV000159582.17), dbSNP rs200174202, ClinGen allele CA251044.

ClinVar aggregate classification (germline): Conflicting classifications of pathogenicity. Review status: criteria provided, conflicting classifications (1 of 4 stars). 4 submissions from 4 submitters: Uncertain significance (2); Likely benign (2). Last evaluated 2025-12-21.

Conditions:
PCNT-related disorder. Also called: PCNT-related condition.
Microcephalic osteodysplastic primordial dwarfism type II (MOPD2). Also called: Microcephalic osteodysplastic primordial dwarfism with tooth abnormalities; MOPD II; OSTEODYSPLASTIC PRIMORDIAL DWARFISM, TYPE II. Identifiers: Orphanet 2637, MedGen C0432246, MONDO:0008872, OMIM 210720.

Allele frequency attached by ClinVar (database versions not stated): gnomAD exomes 0.00007 and 0.00019; gnomAD 0.00013 and 0.00014; TOPMed 0.00014; 1000 Genomes Project 30x 0.00016; ExAC 0.00016; 1000 Genomes Project 0.00020.
gnomAD v4.1: 122 of 1,614,012 alleles (0.0076%); highest among the groups gnomAD compares: East Asian, 0.11%; 1 homozygote.

Submissions (4):

Labcorp Genetics (formerly Invitae), Labcorp
Classification: Likely benign. Last evaluated: 2025-12-21. Review status: criteria provided, single submitter. Criteria: Invitae Variant Classification Sherloc (09022015). Collection method: clinical testing. Allele origin: germline.

PreventionGenetics, part of Exact Sciences
Classification: Likely benign for PCNT-related condition. Last evaluated: 2025-01-19. Review status: criteria provided, single submitter. Criteria: ACMG Guidelines, 2015. Collection method: clinical testing. Allele origin: germline.
Comment: This variant is classified as likely benign based on ACMG/AMP sequence variant interpretation guidelines (Richards et al. 2015 PMID: 25741868, with internal and published modifications).

Fulgent Genetics
Classification: Uncertain significance for Microcephalic osteodysplastic primordial dwarfism type II. Last evaluated: 2018-10-31. Review status: criteria provided, single submitter. Criteria: ACMG Guidelines, 2015. Collection method: clinical testing. Allele origin: unknown.

Genetic Services Laboratory, University of Chicago
Classification: Uncertain significance for Microcephalic osteodysplastic primordial dwarfism, type II. Last evaluated: 2013-08-22. Review status: criteria provided, single submitter. Criteria: ACMG Guidelines, 2007. Collection method: clinical testing. Allele origin: germline. Inheritance: Autosomal recessive inheritance.